The following is an entry in ClinVar:

ClinVar aggregate classification (germline): Conflicting classifications of pathogenicity. Review status: criteria provided, conflicting classifications (1 of 4 stars). 7 submissions from 7 submitters: Uncertain significance (4); Likely benign (1). 2 of the submissions do not count toward it. Last evaluated 2026-01-26.

Conditions:
Autosomal recessive nonsyndromic hearing loss 23. Identifiers: Orphanet 90636, MedGen C1836027, MONDO:0012293, OMIM 609533.
Usher syndrome type 1D (USH1D). Also called: USHER SYNDROME, TYPE ID. Identifiers: Orphanet 231169, Orphanet 886, MedGen C1832845, MONDO:0010984, OMIM 601067.
Usher syndrome type 1F (USH1F). Also called: USHER SYNDROME, TYPE IF. Identifiers: Orphanet 231169, Orphanet 886, MedGen C1865885, MONDO:0011186, OMIM 602083.

Submissions (7):

Labcorp Genetics (formerly Invitae), Labcorp
Classification: Likely benign. Last evaluated: 2026-01-26. Review status: criteria provided, single submitter. Criteria: Invitae Variant Classification Sherloc (09022015). Collection method: clinical testing. Allele origin: germline.

Women's Health and Genetics/Laboratory Corporation of America, LabCorp
Classification: Uncertain significance. Last evaluated: 2022-10-10. Review status: criteria provided, single submitter. Criteria: LabCorp Variant Classification Summary - May 2015. Collection method: clinical testing. Allele origin: germline.
Comment: Variant summary: PCDH15 c.4907_4908delAA (p.Lys1636ArgfsX7) located in the last exon of the gene results in a premature termination codon, predicted to cause a truncation of the encoded protein or absence of the protein due to nonsense mediated decay. Truncating variants in the last exon of PCDH15 have uncertain impact on protein function. The variant allele was found at a frequency of 4.8e-05 in 251448 control chromosomes. This frequency is not significantly higher than expected for a pathogenic variant in PCDH15 causing Usher Syndrome Type 1F (4.8e-05 vs 0.0032), allowing no conclusion about variant significance. c.4907_4908delAA has been reported in the literature in one individual in a carrier screening (Perreault_2014). This report does not provide unequivocal conclusions about association of the variant with Usher Syndrome Type 1F. To our knowledge, no experimental evidence demonstrating an impact on protein function has been reported. Three clinical diagnostic laboratories have submitted clinical-significance assessments for this variant to ClinVar after 2014 and classified the variant as uncertain significance. Based on the evidence outlined above, the variant was classified as uncertain significance.

Blueprint Genetics
Classification: Uncertain significance. Last evaluated: 2022-06-14. Review status: criteria provided, single submitter. Criteria: ACMG Guidelines, 2015. Collection method: clinical testing. Allele origin: germline.

GeneDx
Classification: Uncertain significance. Last evaluated: 2022-04-15. Review status: criteria provided, single submitter. Criteria: GeneDx Variant Classification Process June 2021. Collection method: clinical testing. Allele origin: germline. Affected: yes.
Comment: Frameshift variant predicted to result in protein truncation, as the last 320 amino acids are replaced with 6 different amino acids, and other loss-of-function variants have been reported downstream in HGMD.; Has not been previously published as pathogenic or benign to our knowledge

Fulgent Genetics
Classification: Uncertain significance for Usher syndrome type 1D; Usher syndrome type 1F; Autosomal recessive nonsyndromic hearing loss 23. Last evaluated: 2021-08-02. Review status: criteria provided, single submitter. Criteria: ACMG Guidelines, 2015. Collection method: clinical testing. Allele origin: unknown.

Natera, Inc.
Classification: Uncertain significance for Usher syndrome type 1F. Last evaluated: 2020-01-10. Review status: no assertion criteria provided. Collection method: clinical testing. Allele origin: germline. Not counted in ClinVar's aggregate classification.

Counsyl
Classification: Uncertain significance for Usher syndrome type 1F. Last evaluated: 2017-05-12. Review status: no assertion criteria provided. Collection method: clinical testing. Allele origin: unknown. Not counted in ClinVar's aggregate classification.

Literature cited by the submitters: PubMed 25307757 (cited by Women's Health and Genetics/Laboratory Corporation of America, LabCorp and Counsyl).

NM_033056.4(PCDH15):c.4907_4908del (p.Lys1636fs)

Gene: PCDH15 (protocadherin related 15; minus strand). Cytogenetic location: 10q21.1.
Variant type: Deletion.
Coding change: c.4907_4908del on transcript NM_033056.4 (MANE Plus Clinical); coding-DNA positions 4907 to 4908, 2 bases deleted (AA; older notation c.4907_4908delAA).
Protein change: p.Lys1636fs; shifts the reading frame from lysine 1636.
Molecular consequence: frameshift variant. On other transcripts: intron variant (8).
Genome position (GRCh38, 1-based): chr10:53,822,818-53,822,819, TT deleted on the plus strand (AA on the coding strand, the reverse complement: PCDH15 is on the minus strand); deleting any 2 consecutive bases within chr10:53,822,818-53,822,820 gives the same sequence; the c. name uses the placement nearest the transcript's 3' end. VCF-style (leftmost placement, unchanged base first): chr10-53822817-CTT-C. GRCh37 (hg19) VCF-style: chr10-55582577-CTT-C.
Other names: c.4907_4908del (NM_033056.3); c.4928_4929del, p.Lys1643fs (NM_001142763.2); c.4913_4914del, p.Lys1638fs (NM_001142764.2); c.4700_4701del, p.Lys1567fs (NM_001142765.2); c.4898_4899del, p.Lys1633fs (NM_001142766.2); c.4787_4788del, p.Lys1596fs (NM_001142767.2); c.4847_4848del, p.Lys1616fs (NM_001142768.2); c.4838_4839del, p.Lys1613fs (NM_001142773.2); and 7 more; short protein forms K1567fs, K1596fs, K1636fs, K1638fs, K1643fs, K1613fs, K1633fs, K1614fs.
Identifiers: ClinVar variation 551989 (VCV000551989.17), dbSNP rs1491209806, ClinGen allele CA5505165.